The following is an entry in ClinVar:

NM_004629.2(FANCG):c.1837C>T (p.Arg613Trp)

Gene: FANCG (FA complementation group G; minus strand). Cytogenetic location: 9p13.3.
Variant type: single nucleotide variant.
Coding change: c.1837C>T on transcript NM_004629.2 (MANE Select); coding-DNA position 1837, C replaced by T.
Protein change: p.Arg613Trp; replaces arginine 613 with tryptophan.
Molecular consequence: missense variant.
Genome position (GRCh38, 1-based): chr9:35,074,140, G>A on the plus strand (C>T on the coding strand, the complement: FANCG is on the minus strand). VCF-style: chr9-35074140-G-A. GRCh37 (hg19) VCF-style: chr9-35074137-G-A.
Other names: short protein forms R613W.
Identifiers: ClinVar variation 2178462 (VCV002178462.2), dbSNP rs761695914, ClinGen allele CA5039606.

ClinVar aggregate classification (germline): Uncertain significance (1 of 4 stars; one submission).

Conditions:
Fanconi anemia (FA). Also called: Fanconi's anemia. Identifiers: Orphanet 84, MedGen C0015625, MeSH D005199, MONDO:0019391.

Allele frequency attached by ClinVar (database versions not stated): ExAC 0.00001; gnomAD 0.00001; TOPMed 0.00004.
gnomAD v4.1: 6 of 1,614,076 alleles (0.00037%); highest among the groups gnomAD compares: African/African-American, 0.0013%; no homozygotes.

Submission:

Labcorp Genetics (formerly Invitae), Labcorp
Classification: Uncertain significance for Fanconi anemia. Last evaluated: 2024-04-05. Review status: criteria provided, single submitter. Criteria: Invitae Variant Classification Sherloc (09022015). Collection method: clinical testing. Allele origin: germline.
Comment: This sequence change replaces arginine, which is basic and polar, with tryptophan, which is neutral and slightly polar, at codon 613 of the FANCG protein (p.Arg613Trp). This variant is present in population databases (rs761695914, gnomAD 0.006%). This variant has not been reported in the literature in individuals affected with FANCG-related conditions. ClinVar contains an entry for this variant (Variation ID: 2178462). Advanced modeling of protein sequence and biophysical properties (such as structural, functional, and spatial information, amino acid conservation, physicochemical variation, residue mobility, and thermodynamic stability) performed at Invitae indicates that this missense variant is not expected to disrupt FANCG protein function with a negative predictive value of 80%. In summary, the available evidence is currently insufficient to determine the role of this variant in disease. Therefore, it has been classified as a Variant of Uncertain Significance.